The following is an entry in ClinVar:

NM_001605.3(AARS1):c.622G>A (p.Asp208Asn)

Gene: AARS1 (alanyl-tRNA synthetase 1; minus strand). Cytogenetic location: 16q22.1.
Variant type: single nucleotide variant.
Coding change: c.622G>A on transcript NM_001605.3 (MANE Select); coding-DNA position 622, G replaced by A.
Protein change: p.Asp208Asn; replaces aspartic acid 208 with asparagine.
Molecular consequence: missense variant.
Genome position (GRCh38, 1-based): chr16:70,271,830, C>T on the plus strand (G>A on the coding strand, the complement: AARS1 is on the minus strand). VCF-style: chr16-70271830-C-T. GRCh37 (hg19) VCF-style: chr16-70305733-C-T.
Other names: short protein forms D208N.
Identifiers: ClinVar variation 1682297 (VCV001682297.15), dbSNP rs780893599, ClinGen allele CA8141084.

ClinVar aggregate classification (germline): Uncertain significance. Review status: criteria provided, multiple submitters, no conflicts (2 of 4 stars). 4 submissions from 4 submitters: Uncertain significance (4). Last evaluated 2026-01-05.

Conditions:
AARS1-related disorder. Also called: AARS1-related condition.
Charcot-Marie-Tooth disease type 2. Also called: Charcot-Marie-Tooth type 2. Identifiers: Orphanet 64746, MedGen C0270914, MONDO:0018993.
Inborn genetic diseases. Identifiers: MedGen C0950123, MeSH D030342.

Allele frequency attached by ClinVar (database versions not stated): gnomAD 0.00007.
gnomAD v4.1: 20 of 1,613,740 alleles (0.0012%); highest among the groups gnomAD compares: African/African-American, 0.015%; no homozygotes.

Submissions (4):

PreventionGenetics, part of Exact Sciences
Classification: Uncertain significance for AARS1-related condition. Last evaluated: 2026-01-05. Review status: criteria provided, single submitter. Criteria: ACMG Guidelines, 2015. Collection method: clinical testing. Allele origin: germline.
Comment: The AARS1 c.622G>A variant is predicted to result in the amino acid substitution p.Asp208Asn. This variant has been reported in the homozygous state as a variant of uncertain significance in two siblings with early-infantile developmental and epileptic encephalopathy (Supp. Table 1, Elkhateeb et al. 2024. PubMed ID: 38221827). This variant is reported in 0.024% of alleles in individuals of African descent in gnomAD. At this time, the clinical significance of this variant is uncertain due to the absence of conclusive functional and genetic evidence.

Labcorp Genetics (formerly Invitae), Labcorp
Classification: Uncertain significance for Charcot-Marie-Tooth disease type 2. Last evaluated: 2025-10-02. Review status: criteria provided, single submitter. Criteria: Invitae Variant Classification Sherloc (09022015). Collection method: clinical testing. Allele origin: germline.
Comment: This sequence change replaces aspartic acid, which is acidic and polar, with asparagine, which is neutral and polar, at codon 208 of the AARS protein (p.Asp208Asn). This variant is present in population databases (rs780893599, gnomAD 0.02%). This missense change has been observed in individual(s) with autosomal recessive AARS-related conditions (PMID: 38221827). ClinVar contains an entry for this variant (Variation ID: 1682297). Invitae Evidence Modeling of protein sequence and biophysical properties (such as structural, functional, and spatial information, amino acid conservation, physicochemical variation, residue mobility, and thermodynamic stability) indicates that this missense variant is not expected to disrupt AARS protein function with a negative predictive value of 80%. In summary, the available evidence is currently insufficient to determine the role of this variant in disease. Therefore, it has been classified as a Variant of Uncertain Significance.

Ambry Genetics
Classification: Uncertain significance for Inborn genetic diseases. Last evaluated: 2025-08-25. Review status: criteria provided, single submitter. Criteria: Ambry Variant Classification Scheme 2023. Collection method: clinical testing. Allele origin: germline.
Comment: Unlikely to be causative of AARS-related Charcot-Marie-Tooth disease, type 2 (AD) Based on insufficient or conflicting evidence, the clinical significance of this alteration remains unclear.

Breakthrough Genomics
Classification: Uncertain significance. Review status: criteria provided, single submitter. Criteria: ACMG Guidelines, 2015. Collection method: not provided. Allele origin: germline. Inheritance: Autosomal recessive inheritance. Affected: yes.

Literature cited by the submitters: PubMed 38221827 (cited by Labcorp Genetics (formerly Invitae), Labcorp).